The following is an entry in ClinVar:

ClinVar aggregate classification (germline): Uncertain significance (1 of 4 stars; one submission).

Allele frequency attached by ClinVar (database versions not stated): ExAC 0.00001; gnomAD exomes 0.00001; TOPMed 0.00001.

Submission:

Labcorp Genetics (formerly Invitae), Labcorp
Classification: Uncertain significance. Last evaluated: 2022-05-27. Review status: criteria provided, single submitter. Criteria: Invitae Variant Classification Sherloc (09022015). Collection method: clinical testing. Allele origin: germline.
Comment: This sequence change replaces arginine, which is basic and polar, with glutamine, which is neutral and polar, at codon 665 of the RBP3 protein (p.Arg665Gln). This variant is present in population databases (rs781929893, gnomAD 0.003%). This variant has not been reported in the literature in individuals affected with RBP3-related conditions. Algorithms developed to predict the effect of missense changes on protein structure and function output the following: SIFT: "Tolerated"; PolyPhen-2: "Benign"; Align-GVGD: "Class C0". The glutamine amino acid residue is found in multiple mammalian species, which suggests that this missense change does not adversely affect protein function. In summary, the available evidence is currently insufficient to determine the role of this variant in disease. Therefore, it has been classified as a Variant of Uncertain Significance.

NM_002900.3(RBP3):c.1994G>A (p.Arg665Gln)

Gene: RBP3 (retinol binding protein 3; plus strand). Cytogenetic location: 10q11.22.
Variant type: single nucleotide variant.
Coding change: c.1994G>A on transcript NM_002900.3 (MANE Select); coding-DNA position 1994, G replaced by A.
Protein change: p.Arg665Gln; replaces arginine 665 with glutamine.
Molecular consequence: missense variant.
Genome position (GRCh38, 1-based): chr10:47,350,478, G>A. VCF-style: chr10-47350478-G-A. GRCh37 (hg19) VCF-style: chr10-48388884-C-T.
Other names: short protein forms R665Q.
Identifiers: ClinVar variation 2075918 (VCV002075918.3), dbSNP rs781929893, ClinGen allele CA5487380.